The following is an entry in ClinVar:

ClinVar aggregate classification (germline): Uncertain significance (1 of 4 stars; one submission).

gnomAD v4.1: 1 of 1,599,168 alleles (0.000063%); highest among the groups gnomAD compares: Non-Finnish European, 0.000085%; no homozygotes.

Submission:

Ambry Genetics
Classification: Uncertain significance. Last evaluated: 2025-08-02. Review status: criteria provided, single submitter. Criteria: Ambry Variant Classification Scheme 2023. Collection method: clinical testing. Allele origin: germline.
Comment: The p.N886S variant (also known as c.2657A>G), located in coding exon 13 of the GEN1 gene, results from an A to G substitution at nucleotide position 2657. The asparagine at codon 886 is replaced by serine, an amino acid with highly similar properties. This amino acid position is conserved. In addition, this alteration is predicted to be tolerated by in silico analysis. Based on the available evidence, the clinical significance of this variant remains unclear.

NM_001130009.3(GEN1):c.2657A>G (p.Asn886Ser)

Gene: GEN1 (GEN1 Holliday junction 5' flap endonuclease; plus strand). Cytogenetic location: 2p24.2.
Variant type: single nucleotide variant.
Coding change: c.2657A>G on transcript NM_001130009.3 (MANE Select); coding-DNA position 2657, A replaced by G.
Protein change: p.Asn886Ser; replaces asparagine 886 with serine.
Molecular consequence: missense variant.
Genome position (GRCh38, 1-based): chr2:17,781,869, A>G. VCF-style: chr2-17781869-A-G. GRCh37 (hg19) VCF-style: chr2-17963136-A-G.
Other names: c.2657A>G, p.Asn886Ser (NM_182625.5); short protein forms N886S.
Identifiers: ClinVar variation 4263054 (VCV004263054.1).